The following is an entry in ClinVar:

ClinVar aggregate classification (germline): Uncertain significance (1 of 4 stars; one submission).

Allele frequency attached by ClinVar (database versions not stated): gnomAD exomes below 0.00001.
gnomAD v4.1: 1 of 1,585,758 alleles (0.000063%); highest among the groups gnomAD compares: South Asian, 0.0011%; no homozygotes.

Submission:

Ambry Genetics
Classification: Uncertain significance. Last evaluated: 2022-05-14. Review status: criteria provided, single submitter. Criteria: Ambry Variant Classification Scheme 2023. Collection method: clinical testing. Allele origin: germline.
Comment: The p.L631F variant (also known as c.1893G>C), located in coding exon 13 of the RINT1 gene, results from a G to C substitution at nucleotide position 1893. The leucine at codon 631 is replaced by phenylalanine, an amino acid with highly similar properties. This amino acid position is conserved. In addition, this alteration is predicted to be tolerated by in silico analysis. Since supporting evidence is limited at this time, the clinical significance of this alteration remains unclear.

NM_021930.6(RINT1):c.1893G>C (p.Leu631Phe)

Genes: EFCAB10 (EF-hand calcium binding domain 10; minus strand), RINT1 (RAD50 interactor 1; plus strand). Cytogenetic location: 7q22.3.
Variant type: single nucleotide variant.
Coding change: c.1893G>C on transcript NM_021930.6 (MANE Select); coding-DNA position 1893, G replaced by C.
Protein change: p.Leu631Phe; replaces leucine 631 with phenylalanine.
Molecular consequence: missense variant. On other transcripts: 3 prime UTR variant (3), non-coding transcript variant (1).
Genome position (GRCh38, 1-based): chr7:105,565,283, G>C. VCF-style: chr7-105565283-G-C. GRCh37 (hg19) VCF-style: chr7-105205730-G-C.
Other names: c.*164C>G (NM_001355526.2); c.*266C>G (NM_001355530.2); c.*119C>G (NM_001355531.2); c.1659G>C, p.Leu553Phe (NM_001346599.2); c.870G>C, p.Leu290Phe (NM_001346600.2, NM_001346603.2); c.969G>C, p.Leu323Phe (NM_001346601.2); short protein forms L290F, L553F, L631F, L323F.
Identifiers: ClinVar variation 1782110 (VCV001782110.2), dbSNP rs2133475017, ClinGen allele CA368814644.